The following is an entry in ClinVar:

NM_182931.3(KMT2E):c.3592G>A (p.Gly1198Ser)

Gene: KMT2E (lysine methyltransferase 2E (inactive); plus strand). Cytogenetic location: 7q22.3.
Variant type: single nucleotide variant.
Coding change: c.3592G>A on transcript NM_182931.3 (MANE Select); coding-DNA position 3592, G replaced by A.
Protein change: p.Gly1198Ser; replaces glycine 1198 with serine.
Molecular consequence: missense variant.
Genome position (GRCh38, 1-based): chr7:105,109,065, G>A. VCF-style: chr7-105109065-G-A. GRCh37 (hg19) VCF-style: chr7-104749512-G-A.
Other names: c.3592G>A, p.Gly1198Ser (NM_001410908.1, NM_018682.4); short protein forms G1198S.
Identifiers: ClinVar variation 4731999 (VCV004731999.1).

ClinVar aggregate classification (germline): Uncertain significance (1 of 4 stars; one submission).

gnomAD v4.1: 1 of 1,614,076 alleles (0.000062%); highest among the groups gnomAD compares: African/African-American, 0.0013%; no homozygotes.

Submission:

Labcorp Genetics (formerly Invitae), Labcorp
Classification: Uncertain significance. Last evaluated: 2025-04-28. Review status: criteria provided, single submitter. Criteria: Invitae Variant Classification Sherloc (09022015). Collection method: clinical testing. Allele origin: germline.
Comment: This sequence change replaces glycine, which is neutral and non-polar, with serine, which is neutral and polar, at codon 1198 of the KMT2E protein (p.Gly1198Ser). This variant is not present in population databases (gnomAD no frequency). This variant has not been reported in the literature in individuals affected with KMT2E-related conditions. Invitae Evidence Modeling of protein sequence and biophysical properties (such as structural, functional, and spatial information, amino acid conservation, physicochemical variation, residue mobility, and thermodynamic stability) indicates that this missense variant is not expected to disrupt KMT2E protein function with a negative predictive value of 80%. In summary, the available evidence is currently insufficient to determine the role of this variant in disease. Therefore, it has been classified as a Variant of Uncertain Significance.